The following is an entry in ClinVar:

ClinVar aggregate classification (germline): Uncertain significance (1 of 4 stars; one submission).

Conditions:
Emery-Dreifuss muscular dystrophy 4, autosomal dominant (EDMD4). Also called: EMERY-DREIFUSS MUSCULAR DYSTROPHY 4 WITH VARIABLE FEATURES. Identifiers: Orphanet 261, MedGen C2751807, MONDO:0013071, OMIM 612998.
Autosomal recessive ataxia, Beauce type. Also called: SYNE1-Related Autosomal Recessive Cerebellar Ataxia; Spinocerebellar ataxia, autosomal recessive 8; ATAXIA, RECESSIVE, OF BEAUCE; SYNE1 Deficiency. Identifiers: Orphanet 88644, MedGen C1853116, MONDO:0012549, OMIM 610743.

Submission:

Labcorp Genetics (formerly Invitae), Labcorp
Classification: Uncertain significance for Emery-Dreifuss muscular dystrophy 4, autosomal dominant; Autosomal recessive ataxia, Beauce type. Last evaluated: 2021-03-23. Review status: criteria provided, single submitter. Criteria: Invitae Variant Classification Sherloc (09022015). Collection method: clinical testing. Allele origin: germline.
Comment: In summary, the available evidence is currently insufficient to determine the role of this variant in disease. Therefore, it has been classified as a Variant of Uncertain Significance. Algorithms developed to predict the effect of missense changes on protein structure and function are either unavailable or do not agree on the potential impact of this missense change (SIFT: "Deleterious"; PolyPhen-2: "Benign"; Align-GVGD: "Class C0"). This variant has not been reported in the literature in individuals with SYNE1-related conditions. This variant is not present in population databases (ExAC no frequency). This sequence change replaces glutamic acid with valine at codon 7035 of the SYNE1 protein (p.Glu7035Val). The glutamic acid residue is highly conserved and there is a moderate physicochemical difference between glutamic acid and valine.

NM_182961.4(SYNE1):c.21317A>T (p.Glu7106Val)

Gene: SYNE1 (spectrin repeat containing nuclear envelope protein 1; minus strand). Cytogenetic location: 6q25.2.
Variant type: single nucleotide variant.
Coding change: c.21317A>T on transcript NM_182961.4 (MANE Select); coding-DNA position 21317, A replaced by T.
Protein change: p.Glu7106Val; replaces glutamic acid 7106 with valine.
Molecular consequence: missense variant.
Genome position (GRCh38, 1-based): chr6:152,225,755, T>A on the plus strand (A>T on the coding strand, the complement: SYNE1 is on the minus strand). VCF-style: chr6-152225755-T-A. GRCh37 (hg19) VCF-style: chr6-152546890-T-A.
Other names: c.21104A>T, p.Glu7035Val (NM_033071.5); short protein forms E7106V, E7035V.
Identifiers: ClinVar variation 1380617 (VCV001380617.8), dbSNP rs2153485074, ClinGen allele CA366109330.